The following is an entry in ClinVar:

NM_004006.3(DMD):c.7561G>A (p.Glu2521Lys)

Gene: DMD (dystrophin; minus strand). Cytogenetic location: Xp21.1.
Variant type: single nucleotide variant.
Coding change: c.7561G>A on transcript NM_004006.3 (MANE Select); coding-DNA position 7561, G replaced by A.
Protein change: p.Glu2521Lys; replaces glutamic acid 2521 with lysine.
Molecular consequence: missense variant.
Genome position (GRCh38, 1-based): chrX:31,729,730, C>T on the plus strand (G>A on the coding strand, the complement: DMD is on the minus strand). VCF-style: chrX-31729730-C-T. GRCh37 (hg19) VCF-style: chrX-31747847-C-T.
Other names: c.7537G>A, p.Glu2513Lys (NM_000109.4); c.7549G>A, p.Glu2517Lys (NM_004009.3); c.7192G>A, p.Glu2398Lys (NM_004010.3); c.3538G>A, p.Glu1180Lys (NM_004011.4); c.3529G>A, p.Glu1177Lys (NM_004012.4); c.181G>A, p.Glu61Lys (NM_004013.3, NM_004020.4, NM_004021.3 and 2 more transcripts); short protein forms E2398K, E2513K, E2517K, E2521K, E1177K, E1180K, E61K.
Identifiers: ClinVar variation 962578 (VCV000962578.2), dbSNP rs1569308250, ClinGen allele CA412657694.
Genomic context (GRCh38, chrX:31,729,730, plus strand): 5'-TCTTGTTTTTCAAATTTTGGGCAGCGGTAATGAGTTCTTCCAACTGGGGACGCCTCTGTT[C>T]CAAATCCTGCATTGTTGCCTGTAAGAACAAATATCCCTTAGTATCAGGGTTCTTCAGCGT-3'
Protein context (NP_003997.2, residues 2511-2531): IKQKATMQDL[Glu2521Lys]QRRPQLEELI

ClinVar aggregate classification (germline): Uncertain significance. Review status: criteria provided, single submitter (1 of 4 stars). 2 submissions from 2 submitters: Uncertain significance (1). 1 of the submissions does not count toward it. Last evaluated 2019-08-30.

Conditions:
Duchenne muscular dystrophy (DMD). Also called: MUSCULAR DYSTROPHY, PSEUDOHYPERTROPHIC PROGRESSIVE, DUCHENNE TYPE; Duchenne Muscular Dystrophy (DMD). Identifiers: Orphanet 98896, MedGen C0013264, MONDO:0010679, OMIM 310200.
Dystrophin deficiency.
Becker muscular dystrophy (BMD). Also called: MUSCULAR DYSTROPHY, PSEUDOHYPERTROPHIC PROGRESSIVE, BECKER TYPE; Becker Muscular Dystrophy (BMD). Identifiers: Orphanet 98895, MedGen C0917713, MONDO:0010311, OMIM 300376.
Cardiomyopathy (CMYO). Also called: Cardiomyopathies. Identifiers: Orphanet 167848, MedGen C0878544, MONDO:0004994, HP:0001638. Inheritance: Various modes of inheritance.

Allele frequency attached by ClinVar (database versions not stated): gnomAD exomes below 0.00001 and 0.00001.
gnomAD v4.1: 2 of 1,210,279 alleles (0.00017%); highest among the groups gnomAD compares: Non-Finnish European, 0.00022%; no homozygotes.

Submissions (2):

Labcorp Genetics (formerly Invitae), Labcorp
Classification: Uncertain significance for Duchenne muscular dystrophy. Last evaluated: 2019-08-30. Review status: criteria provided, single submitter. Criteria: Invitae Variant Classification Sherloc (09022015). Collection method: clinical testing. Allele origin: germline.
Comment: This sequence change replaces glutamic acid with lysine at codon 2521 of the DMD protein (p.Glu2521Lys). The glutamic acid residue is highly conserved and there is a small physicochemical difference between glutamic acid and lysine. This variant is not present in population databases (ExAC no frequency). This variant has not been reported in the literature in individuals with DMD-related conditions. Algorithms developed to predict the effect of missense changes on protein structure and function are either unavailable or do not agree on the potential impact of this missense change (SIFT: "Tolerated"; PolyPhen-2: "Possibly Damaging"; Align-GVGD: "Class C0"). In summary, the available evidence is currently insufficient to determine the role of this variant in disease. Therefore, it has been classified as a Variant of Uncertain Significance.

Natera, Inc.
Classification: Uncertain significance for Becker muscular dystrophy; Cardiomyopathy; Duchenne muscular dystrophy; Dystrophin deficiency. Last evaluated: 2021-08-26. Review status: no assertion criteria provided. Collection method: clinical testing. Allele origin: germline. Not counted in ClinVar's aggregate classification.